The following is an entry in ClinVar:

ClinVar aggregate classification (germline): Pathogenic. Review status: criteria provided, multiple submitters, no conflicts (2 of 4 stars). 2 submissions from 2 submitters: Pathogenic (2). Last evaluated 2023-01-15.

Submissions (2):

Labcorp Genetics (formerly Invitae), Labcorp
Classification: Pathogenic. Last evaluated: 2023-01-15. Review status: criteria provided, single submitter. Criteria: Invitae Variant Classification Sherloc (09022015). Collection method: clinical testing. Allele origin: germline.
Comment: For these reasons, this variant has been classified as Pathogenic. ClinVar contains an entry for this variant (Variation ID: 280586). This variant has not been reported in the literature in individuals affected with PHEX-related conditions. This variant is not present in population databases (gnomAD no frequency). This sequence change creates a premature translational stop signal (p.Phe611Serfs*9) in the PHEX gene. It is expected to result in an absent or disrupted protein product. Loss-of-function variants in PHEX are known to be pathogenic (PMID: 9097956, 9106524, 19219621).

GeneDx
Classification: Pathogenic. Last evaluated: 2016-06-07. Review status: criteria provided, single submitter. Criteria: GeneDx Variant Classification (06012015). Collection method: clinical testing. Allele origin: germline. Affected: yes.
Comment: The c.1828_1829dupAA pathogenic variant in the PHEX gene causes a frameshift starting with codon Phenylalanine 611, changes this amino acid to a Serine residue and creates a premature Stop codon at position 9 of the new reading frame, denoted p.Phe611SerfsX9. This pathogenic variant is predicted to cause loss of normal protein function either through protein truncation or nonsense-mediated mRNA decay. The variant was not observed in approximately 6,500 individuals of European and African American ancestry in the NHLBI Exome Sequencing Project, indicating it is not a common benign variant in these populations.

Literature cited by the submitters: PubMed 9097956 (cited by Labcorp Genetics (formerly Invitae), Labcorp); PubMed 9106524 (cited by Labcorp Genetics (formerly Invitae), Labcorp); PubMed 19219621 (cited by Labcorp Genetics (formerly Invitae), Labcorp).

NM_000444.6(PHEX):c.1828_1829dup (p.Phe611fs)

Genes: PHEX (phosphate regulating endopeptidase X-linked; plus strand), PTCHD1-AS (PTCHD1 and PHEX antisense RNA; minus strand). Cytogenetic location: Xp22.11.
Variant type: Duplication.
Coding change: c.1828_1829dup on transcript NM_000444.6 (MANE Select); coding-DNA positions 1828 to 1829, 2 bases duplicated (AA; older notation c.1828_1829dupAA).
Protein change: p.Phe611fs; shifts the reading frame from phenylalanine 611.
Molecular consequence: frameshift variant.
Genome position (GRCh38, 1-based): chrX:22,221,672-22,221,673, AA duplicated; duplicating any 2 consecutive bases within chrX:22,221,670-22,221,673 gives the same sequence; the c. name uses the placement nearest the transcript's 3' end. VCF-style (leftmost placement, unchanged base first): chrX-22221669-G-GAA. GRCh37 (hg19) VCF-style: chrX-22239786-G-GAA.
Other names: c.1828_1829dup, p.Phe611fs (NM_001282754.2); short protein forms F611fs.
Identifiers: ClinVar variation 280586 (VCV000280586.4), dbSNP rs886041763, ClinGen allele CA10603717.